The following is an entry in ClinVar:

NM_003072.5(SMARCA4):c.4591C>A (p.Leu1531Ile)

Gene: SMARCA4 (SWI/SNF related BAF chromatin remodeling complex subunit ATPase 4; plus strand). Cytogenetic location: 19p13.2.
Variant type: single nucleotide variant.
Coding change: c.4591C>A on transcript NM_003072.5 (MANE Select); coding-DNA position 4591, C replaced by A.
Protein change: p.Leu1531Ile; replaces leucine 1531 with isoleucine.
Molecular consequence: missense variant. On other transcripts: non-coding transcript variant (1).
Genome position (GRCh38, 1-based): chr19:11,058,845, C>A. VCF-style: chr19-11058845-C-A. GRCh37 (hg19) VCF-style: chr19-11169521-C-A.
Other names: c.4591C>A, p.Leu1531Ile (NM_001128844.3); c.4501C>A, p.Leu1501Ile (NM_001128845.2); c.4498C>A, p.Leu1500Ile (NM_001128846.2); c.4492C>A, p.Leu1498Ile (NM_001128847.4, NM_001374457.1); c.4489C>A, p.Leu1497Ile (NM_001128848.2); c.4687C>A, p.Leu1563Ile (NM_001128849.3, NM_001387283.1); short protein forms L1563I, L1497I, L1498I, L1500I, L1501I, L1531I.
Identifiers: ClinVar variation 470414 (VCV000470414.8), dbSNP rs1555795394, ClinGen allele CA404078948.

ClinVar aggregate classification (germline): Uncertain significance (1 of 4 stars; one submission).

Conditions:
Rhabdoid tumor predisposition syndrome 2 (RTPS2). Identifiers: Orphanet 231108, Orphanet 69077, MedGen C2750074, MONDO:0013224, OMIM 613325.

Submission:

Labcorp Genetics (formerly Invitae), Labcorp
Classification: Uncertain significance for Rhabdoid tumor predisposition syndrome 2. Last evaluated: 2017-06-08. Review status: criteria provided, single submitter. Criteria: Invitae Variant Classification Sherloc (09022015). Collection method: clinical testing. Allele origin: germline.
Comment: In summary, this variant has uncertain impact on SMARCA4 function. The available evidence is currently insufficient to determine its role in disease. Therefore, it has been classified as a Variant of Uncertain Significance. This sequence change replaces leucine with isoleucine at codon 1563 of the SMARCA4 protein (p.Leu1563Ile). The leucine residue is highly conserved and there is a small physicochemical difference between leucine and isoleucine. This variant is not present in population databases (ExAC no frequency). This variant has not been reported in the literature in individuals with a SMARCA4-related disease. Algorithms developed to predict the effect of missense changes on protein structure and function do not agree on the potential impact of this missense change (SIFT: "Deleterious"; PolyPhen-2: "Possibly Damaging"; Align-GVGD: "Class C0").